The following is an entry in ClinVar:

NM_133261.3(GIPC3):c.4G>A (p.Glu2Lys)

Gene: GIPC3 (GIPC PDZ domain containing family member 3; plus strand). Cytogenetic location: 19p13.3.
Variant type: single nucleotide variant.
Coding change: c.4G>A on transcript NM_133261.3 (MANE Select); coding-DNA position 4, G replaced by A.
Protein change: p.Glu2Lys; replaces glutamic acid 2 with lysine.
Molecular consequence: missense variant.
Genome position (GRCh38, 1-based): chr19:3,585,601, G>A. VCF-style: chr19-3585601-G-A. GRCh37 (hg19) VCF-style: chr19-3585599-G-A.
Other names: short protein forms E2K.
Identifiers: ClinVar variation 505606 (VCV000505606.59), dbSNP rs764467903, ClinGen allele CA9080323.

ClinVar aggregate classification (germline): Conflicting classifications of pathogenicity. Review status: criteria provided, conflicting classifications (1 of 4 stars). 7 submissions from 7 submitters: Uncertain significance (4); Likely benign (2). 1 of the submissions does not count toward it. Last evaluated 2026-01-15.

Conditions:
GIPC3-related disorder. Also called: GIPC3-related condition.

Allele frequency attached by ClinVar (database versions not stated): ExAC below 0.00001; 1000 Genomes Project 30x 0.00047; TOPMed 0.00062; gnomAD 0.00107 and 0.00110; gnomAD exomes 0.00107 and 0.00432.
gnomAD v4.1: 1,247 of 1,155,790 alleles (0.11%); highest among the groups gnomAD compares: Non-Finnish European, 0.11%; 1 homozygote.

Submissions (7):

Labcorp Genetics (formerly Invitae), Labcorp
Classification: Likely benign. Last evaluated: 2026-01-15. Review status: criteria provided, single submitter. Criteria: Invitae Variant Classification Sherloc (09022015). Collection method: clinical testing. Allele origin: germline.

Mayo Clinic Laboratories, Mayo Clinic
Classification: Uncertain significance. Last evaluated: 2025-09-09. Review status: criteria provided, single submitter. Criteria: ACMG Guidelines, 2015. Collection method: clinical testing. Allele origin: germline. Observed: 1 variant allele.
Comment: BS1_supporting

GeneDx
Classification: Likely benign. Last evaluated: 2021-04-28. Review status: criteria provided, single submitter. Criteria: GeneDx Variant Classification Process June 2021. Collection method: clinical testing. Allele origin: germline. Affected: yes.

Eurofins Ntd Llc (ga)
Classification: Uncertain significance. Last evaluated: 2018-07-25. Review status: criteria provided, single submitter. Criteria: EGL ClinVar v180209 classification definitions. Collection method: clinical testing. Allele origin: germline. Observed: 1 variant allele, 1 heterozygote.

Laboratory for Molecular Medicine, Mass General Brigham Personalized Medicine
Classification: Uncertain significance. Last evaluated: 2017-02-07. Review status: criteria provided, single submitter. Criteria: LMM Criteria. Collection method: clinical testing. Allele origin: germline. Observed: 1 variant allele.
Comment: The p.Glu2Lys variant in GIPC3 has not been previously reported in individuals w ith hearing loss or in large population studies. Computational prediction tools and conservation analysis suggest that the p.Glu2Lys variant may not impact the protein, though this information is not predictive enough to rule out pathogenic ity. In summary, the clinical significance of the p.Glu2Lys variant is uncertain .

CeGaT Center for Human Genetics Tuebingen
Classification: Uncertain significance. Last evaluated: 2016-09-01. Review status: criteria provided, single submitter. Criteria: CeGaT Center For Human Genetics Tuebingen Variant Classification Criteria Version 2. Collection method: clinical testing. Allele origin: germline. Affected: yes. Observed: 1 variant allele.

PreventionGenetics, part of Exact Sciences
Classification: Likely benign for GIPC3-related condition. Last evaluated: 2023-04-20. Review status: no assertion criteria provided. Collection method: clinical testing. Allele origin: germline. Not counted in ClinVar's aggregate classification.
Comment: This variant is classified as likely benign based on ACMG/AMP sequence variant interpretation guidelines (Richards et al. 2015 PMID: 25741868, with internal and published modifications).